The following is an entry in ClinVar:

ClinVar aggregate classification (germline): Likely pathogenic. Review status: criteria provided, multiple submitters, no conflicts (2 of 4 stars). 2 submissions from 2 submitters: Likely pathogenic (2). Last evaluated 2024-02-12.

Conditions:
Hereditary spherocytosis type 1. Also called: Spherocytosis type 1; ANK1-Related Spherocytosis. Identifiers: Orphanet 822, MedGen C2674218, MONDO:0008447, OMIM 182900.

Submissions (2):

Revvity Omics, Revvity
Classification: Likely pathogenic for Hereditary spherocytosis type 1. Last evaluated: 2024-02-12. Review status: criteria provided, single submitter. Criteria: ACMG Guidelines, 2015. Collection method: clinical testing. Allele origin: germline.

Mayo Clinic Laboratories, Mayo Clinic
Classification: Likely pathogenic. Last evaluated: 2022-07-08. Review status: criteria provided, single submitter. Criteria: ACMG Guidelines, 2015. Collection method: clinical testing. Allele origin: germline. Observed: 3 variant alleles.
Comment: PVS1, PM2

NM_000037.4(ANK1):c.1412del (p.Gln471fs)

Gene: ANK1 (ankyrin 1; minus strand). Cytogenetic location: 8p11.21.
Variant type: Deletion.
Coding change: c.1412del on transcript NM_000037.4 (MANE Select); coding-DNA position 1412, one base deleted (A; older notation c.1412delA).
Protein change: p.Gln471fs; shifts the reading frame from glutamine 471.
Molecular consequence: frameshift variant.
Genome position (GRCh38, 1-based): chr8:41,715,842, T deleted on the plus strand (A on the coding strand, the reverse complement: ANK1 is on the minus strand). VCF-style (leftmost placement, unchanged base first): chr8-41715841-CT-C. GRCh37 (hg19) VCF-style: chr8-41573359-CT-C.
Other names: c.1511del, p.Gln504fs (NM_001142446.2); c.1412del, p.Gln471fs (NM_020475.3, NM_020476.3, NM_020477.3); short protein forms Q471fs, Q504fs.
Identifiers: ClinVar variation 1163299 (VCV001163299.7), dbSNP rs2150635565, ClinGen allele CA2499219311.